The following is an entry in ClinVar:

ClinVar aggregate classification (germline): Uncertain significance (1 of 4 stars; one submission).

Submission:

GeneDx
Classification: Uncertain significance. Last evaluated: 2025-04-15. Review status: criteria provided, single submitter. Criteria: GeneDx Variant Classification Process June 2021. Collection method: clinical testing. Allele origin: germline. Affected: yes.
Comment: Not observed at significant frequency in large population cohorts (gnomAD); In silico analysis supports that this missense variant has a deleterious effect on protein structure/function; Has not been previously published as pathogenic or benign to our knowledge

NM_005909.5(MAP1B):c.4006T>G (p.Tyr1336Asp)

Gene: MAP1B (microtubule associated protein 1B; plus strand). Cytogenetic location: 5q13.2.
Variant type: single nucleotide variant.
Coding change: c.4006T>G on transcript NM_005909.5 (MANE Select); coding-DNA position 4006, T replaced by G.
Protein change: p.Tyr1336Asp; replaces tyrosine 1336 with aspartic acid.
Molecular consequence: missense variant.
Genome position (GRCh38, 1-based): chr5:72,197,361, T>G. VCF-style: chr5-72197361-T-G. GRCh37 (hg19) VCF-style: chr5-71493188-T-G.
Other names: c.3628T>G, p.Tyr1210Asp (NM_001324255.2); short protein forms Y1210D, Y1336D.
Identifiers: ClinVar variation 1305976 (VCV001305976.3), dbSNP rs2112239093, ClinGen allele CA360013637.